The following is an entry in ClinVar:

ClinVar aggregate classification (germline): Uncertain significance (1 of 4 stars; one submission).

Conditions:
Immunodeficiency 23 (IMD23). Also called: IMMUNODEFICIENCY WITH HYPER IgE AND COGNITIVE IMPAIRMENT; IMMUNODEFICIENCY-VASCULITIS-MYOCLONUS SYNDROME. Identifiers: Orphanet 443811, MedGen C4014371, MONDO:0014353, OMIM 615816.

Submission:

Labcorp Genetics (formerly Invitae), Labcorp
Classification: Uncertain significance for Immunodeficiency 23. Last evaluated: 2022-07-05. Review status: criteria provided, single submitter. Criteria: Invitae Variant Classification Sherloc (09022015). Collection method: clinical testing. Allele origin: germline.
Comment: This variant, c.10_18del, results in the deletion of 3 amino acid(s) of the PGM3 protein (p.Glu4_Gly6del), but otherwise preserves the integrity of the reading frame. This variant is present in population databases (no rsID available, gnomAD 0.005%). This variant has not been reported in the literature in individuals affected with PGM3-related conditions. ClinVar contains an entry for this variant (Variation ID: 1375444). Experimental studies and prediction algorithms are not available or were not evaluated, and the functional significance of this variant is currently unknown. Algorithms developed to predict the effect of sequence changes on RNA splicing suggest that this variant may create or strengthen a splice site. In summary, the available evidence is currently insufficient to determine the role of this variant in disease. Therefore, it has been classified as a Variant of Uncertain Significance.

NM_015599.3(PGM3):c.-2-245_-2-237del

Gene: PGM3 (phosphoglucomutase 3; minus strand). Cytogenetic location: 6q14.1.
Variant type: Deletion.
Coding change: c.-2-245_-2-237del on transcript NM_015599.3 (MANE Select); 245 bases into the intron before 2 bases upstream of the start codon through 237 bases into the intron before 2 bases upstream of the start codon, 9 bases deleted (GAGTGGGGA; older notation c.-2-245_-2-237delGAGTGGGGA).
Molecular consequence: intron variant. On other transcripts: inframe deletion (2).
Genome position (GRCh38, 1-based): chr6:83,191,251-83,191,259, TCCCCACTC deleted on the plus strand (GAGTGGGGA on the coding strand, the reverse complement: PGM3 is on the minus strand); deleting any 9 consecutive bases within chr6:83,191,251-83,191,262 gives the same sequence; the c. name uses the placement nearest the transcript's 3' end. VCF-style (leftmost placement, unchanged base first): chr6-83191250-GTCCCCACTC-G. GRCh37 (hg19) VCF-style: chr6-83900969-GTCCCCACTC-G.
Other names: c.10_18del, p.Glu4_Gly6del (NM_001199917.2, NM_001367287.1); c.-40+1920_-40+1928del (NM_001199918.2); c.-2-245_-2-237del (NM_001367286.1, NM_001199919.2).
Identifiers: ClinVar variation 1375444 (VCV001375444.5), dbSNP rs1449742310, ClinGen allele CA568302420.